The following is an entry in ClinVar:

ClinVar aggregate classification (germline): Uncertain significance. Review status: criteria provided, single submitter (1 of 4 stars). 2 submissions from 2 submitters: Uncertain significance (1). 1 of the submissions does not count toward it. Last evaluated 2024-08-01.

Conditions:
Fanconi anemia (FA). Also called: Fanconi's anemia. Identifiers: Orphanet 84, MedGen C0015625, MeSH D005199, MONDO:0019391.
Fanconi anemia complementation group A (FANCA). Also called: Fanconi anemia, group A; FANCA-Related Fanconi Anemia. Identifiers: Orphanet 84, MedGen C3469521, MONDO:0009215, OMIM 227650.

Submissions (2):

Labcorp Genetics (formerly Invitae), Labcorp
Classification: Uncertain significance for Fanconi anemia. Last evaluated: 2024-08-01. Review status: criteria provided, single submitter. Criteria: Invitae Variant Classification Sherloc (09022015). Collection method: clinical testing. Allele origin: germline.
Comment: This sequence change replaces leucine, which is neutral and non-polar, with proline, which is neutral and non-polar, at codon 730 of the FANCA protein (p.Leu730Pro). This variant is not present in population databases (gnomAD no frequency). This variant has not been reported in the literature in individuals affected with FANCA-related conditions. ClinVar contains an entry for this variant (Variation ID: 974329). Advanced modeling of protein sequence and biophysical properties (such as structural, functional, and spatial information, amino acid conservation, physicochemical variation, residue mobility, and thermodynamic stability) performed at Invitae indicates that this missense variant is expected to disrupt FANCA protein function with a positive predictive value of 80%. In summary, the available evidence is currently insufficient to determine the role of this variant in disease. Therefore, it has been classified as a Variant of Uncertain Significance.

Leiden Open Variation Database
Classification: Pathogenic for Fanconi anemia complementation group A. Last evaluated: 2020-02-28. Review status: no assertion criteria provided. Collection method: curation. Allele origin: germline. Affected: yes. Not counted in ClinVar's aggregate classification.
Comment: Curator: Arleen D. Auerbach. Submitter to LOVD: Arleen D. Auerbach.

NM_000135.4(FANCA):c.2189T>C (p.Leu730Pro)

Gene: FANCA (FA complementation group A; minus strand). Cytogenetic location: 16q24.3.
Variant type: single nucleotide variant.
Coding change: c.2189T>C on transcript NM_000135.4 (MANE Select); coding-DNA position 2189, T replaced by C.
Protein change: p.Leu730Pro; replaces leucine 730 with proline.
Molecular consequence: missense variant.
Genome position (GRCh38, 1-based): chr16:89,770,597, A>G on the plus strand (T>C on the coding strand, the complement: FANCA is on the minus strand). VCF-style: chr16-89770597-A-G. GRCh37 (hg19) VCF-style: chr16-89837005-A-G.
Other names: c.2189T>C, p.Leu730Pro (NM_001286167.3); short protein forms L730P.
Identifiers: ClinVar variation 974329 (VCV000974329.3), dbSNP rs2039289431, ClinGen allele CA397447204.